The following is an entry in ClinVar:

NC_000002.11:g.(?_232126999)_(232127131_?)del

Gene: ARMC9 (armadillo repeat containing 9; plus strand). Cytogenetic location: 2q37.1.
Variant type: Deletion.
Identifiers: ClinVar variation 1387223 (VCV001387223.5).

ClinVar aggregate classification (germline): Uncertain significance (1 of 4 stars; one submission).

Submission:

Labcorp Genetics (formerly Invitae), Labcorp
Classification: Uncertain significance. Last evaluated: 2021-08-12. Review status: criteria provided, single submitter. Criteria: Invitae Variant Classification Sherloc (09022015). Collection method: clinical testing. Allele origin: germline.
Comment: This variant is a gross deletion of the genomic region encompassing exon(s) 11 of the ARMC9 gene. This variant would be expected to be in-frame, preserving the integrity of the reading frame. This variant has not been reported in the literature in individuals affected with ARMC9-related conditions. This variant is also known as a deletion of exon 12. Experimental studies and prediction algorithms are not available or were not evaluated, and the functional significance of this variant is currently unknown. In summary, the available evidence is currently insufficient to determine the role of this variant in disease. Therefore, it has been classified as a Variant of Uncertain Significance.